The following is an entry in ClinVar:

ClinVar aggregate classification (germline): Benign. Review status: criteria provided, multiple submitters, no conflicts (2 of 4 stars). 2 submissions from 2 submitters: Benign (2). Last evaluated 2021-06-21.

Conditions:
Candidiasis, familial, 6 (CANDF6). Also called: Candidiasis, familial, 6, autosomal dominant. Identifiers: Orphanet 1334, MedGen C3151405, MONDO:0013503, OMIM 613956.

Allele frequency attached by ClinVar (database versions not stated): 1000 Genomes Project 0.02716; 1000 Genomes Project 30x 0.02717; TOPMed 0.04486; gnomAD 0.04854 and 0.04965; gnomAD exomes 0.06165.
gnomAD v4.1: 26,794 of 465,872 alleles (5.8%); highest among the groups gnomAD compares: Middle Eastern, 7.6%; 1,037 homozygotes.

Submissions (2):

GeneDx
Classification: Benign. Last evaluated: 2021-06-21. Review status: criteria provided, single submitter. Criteria: GeneDx Variant Classification Process June 2021. Collection method: clinical testing. Allele origin: germline. Affected: yes.

Illumina Laboratory Services, Illumina
Classification: Benign for Candidiasis, familial, 6. Last evaluated: 2018-01-13. Review status: criteria provided, single submitter. Criteria: ICSL Variant Classification Criteria 13 December 2019. Collection method: clinical testing. Allele origin: germline.
Comment: This variant was observed in the ICSL laboratory as part of a predisposition screen in an ostensibly healthy population. It had not been previously curated by ICSL or reported in the Human Gene Mutation Database (HGMD: prior to June 1st, 2018), and was therefore a candidate for classification through an automated scoring system. Utilizing variant allele frequency, disease prevalence and penetrance estimates, and inheritance mode, an automated score was calculated to assess if this variant is too frequent to cause the disease. Based on the score and internal cut-off values, a variant classified as benign is not then subjected to further curation. The score for this variant resulted in a classification of benign for this disease.

NM_052872.4(IL17F):c.*243T>G

Gene: IL17F (interleukin 17F; minus strand). Cytogenetic location: 6p12.2.
Variant type: single nucleotide variant.
Coding change: c.*243T>G on transcript NM_052872.4 (MANE Select); 243 bases downstream of the stop codon, T replaced by G.
Molecular consequence: 3 prime UTR variant.
Genome position (GRCh38, 1-based): chr6:52,236,688, A>C on the plus strand (T>G on the coding strand, the complement: IL17F is on the minus strand). VCF-style: chr6-52236688-A-C. GRCh37 (hg19) VCF-style: chr6-52101486-A-C.
Identifiers: ClinVar variation 357463 (VCV000357463.8), dbSNP rs1953325, ClinGen allele CA10627230.